The following is an entry in ClinVar:

NM_014714.4(IFT140):c.3243G>A (p.Met1081Ile)

Gene: IFT140 (intraflagellar transport 140; minus strand). Cytogenetic location: 16p13.3.
Variant type: single nucleotide variant.
Coding change: c.3243G>A on transcript NM_014714.4 (MANE Select); coding-DNA position 3243, G replaced by A.
Protein change: p.Met1081Ile; replaces methionine 1081 with isoleucine.
Molecular consequence: missense variant.
Genome position (GRCh38, 1-based): chr16:1,523,855, C>T on the plus strand (G>A on the coding strand, the complement: IFT140 is on the minus strand). VCF-style: chr16-1523855-C-T. GRCh37 (hg19) VCF-style: chr16-1573856-C-T.
Other names: short protein forms M1081I.
Identifiers: ClinVar variation 2086770 (VCV002086770.4), dbSNP rs2506104847, ClinGen allele CA394225597.

ClinVar aggregate classification (germline): Uncertain significance (1 of 4 stars; one submission).

Conditions:
Saldino-Mainzer syndrome (SRTD9). Also called: CONORENAL SYNDROME; Renal dysplasia, retinal pigmentary dystrophy, cerebellar ataxia and skeletal dysplasia; SHORT-RIB THORACIC DYSPLASIA 9 WITHOUT POLYDACTYLY; short-rib thoracic dysplasia 9 with or without polydactyly. Identifiers: Orphanet 140969, MedGen C1849437, MONDO:0009964, OMIM 266920.

Submission:

Labcorp Genetics (formerly Invitae), Labcorp
Classification: Uncertain significance for Saldino-Mainzer syndrome. Last evaluated: 2024-10-15. Review status: criteria provided, single submitter. Criteria: Invitae Variant Classification Sherloc (09022015). Collection method: clinical testing. Allele origin: germline.
Comment: This sequence change replaces methionine, which is neutral and non-polar, with isoleucine, which is neutral and non-polar, at codon 1081 of the IFT140 protein (p.Met1081Ile). This variant is not present in population databases (gnomAD no frequency). This variant has not been reported in the literature in individuals affected with IFT140-related conditions. ClinVar contains an entry for this variant (Variation ID: 2086770). Invitae Evidence Modeling of protein sequence and biophysical properties (such as structural, functional, and spatial information, amino acid conservation, physicochemical variation, residue mobility, and thermodynamic stability) indicates that this missense variant is not expected to disrupt IFT140 protein function with a negative predictive value of 80%. In summary, the available evidence is currently insufficient to determine the role of this variant in disease. Therefore, it has been classified as a Variant of Uncertain Significance.